The following is an entry in ClinVar:

ClinVar aggregate classification (germline): Uncertain significance (1 of 4 stars; one submission).

Conditions:
Hereditary cancer-predisposing syndrome. Also called: Hereditary neoplastic syndrome; Neoplastic Syndromes, Hereditary; Tumor predisposition; Hereditary Cancer Syndrome. Identifiers: Orphanet 140162, MedGen C0027672, MeSH D009386, MONDO:0015356.

Submission:

Ambry Genetics
Classification: Uncertain significance for Hereditary cancer-predisposing syndrome. Last evaluated: 2025-07-25. Review status: criteria provided, single submitter. Criteria: Ambry Variant Classification Scheme 2023. Collection method: clinical testing. Allele origin: germline.
Comment: The c.2820+5G>C intronic variant results from a G to C substitution 5 nucleotides after coding exon 21 in the POLD1 gene. This nucleotide position is highly conserved in available vertebrate species. In silico splice site analysis for this alteration is inconclusive. Based on the available evidence, the clinical significance of this variant remains unclear.

NM_002691.4(POLD1):c.2820+5G>C

Gene: POLD1 (DNA polymerase delta 1, catalytic subunit; plus strand). Cytogenetic location: 19q13.33.
Variant type: single nucleotide variant.
Coding change: c.2820+5G>C on transcript NM_002691.4 (MANE Select); 5 bases into the intron after coding-DNA position 2820, G replaced by C.
Molecular consequence: intron variant.
Genome position (GRCh38, 1-based): chr19:50,415,831, G>C. VCF-style: chr19-50415831-G-C. GRCh37 (hg19) VCF-style: chr19-50919088-G-C.
Other names: c.2820+5G>C (NM_001256849.1, NM_001438212.1, NM_001438213.1); c.2748+5G>C (NM_001438210.1, NM_001438211.1); c.2898+5G>C (NM_001308632.1).
Identifiers: ClinVar variation 4141008 (VCV004141008.1).